The following is an entry in ClinVar:

NM_004357.5(CD151):c.439G>A (p.Asp147Asn)

Gene: CD151 (CD151 molecule (Raph blood group); plus strand). Cytogenetic location: 11p15.5.
Variant type: single nucleotide variant.
Coding change: c.439G>A on transcript NM_004357.5 (MANE Select); coding-DNA position 439, G replaced by A.
Protein change: p.Asp147Asn; replaces aspartic acid 147 with asparagine.
Molecular consequence: missense variant.
Genome position (GRCh38, 1-based): chr11:837,337, G>A. VCF-style: chr11-837337-G-A. GRCh37 (hg19) VCF-style: chr11-837337-G-A.
Other names: c.439G>A, p.Asp147Asn (NM_001039490.2, NM_139029.2, NM_139030.4); short protein forms D147N.
Identifiers: ClinVar variation 2244434 (VCV002244434.5), dbSNP rs372034658, ClinGen allele CA5792197.

ClinVar aggregate classification (germline): Uncertain significance. Review status: criteria provided, multiple submitters, no conflicts (2 of 4 stars). 3 submissions from 3 submitters: Uncertain significance (3). Last evaluated 2025-04-22.

Conditions:
Inborn genetic diseases. Identifiers: MedGen C0950123, MeSH D030342.
RAPH BLOOD GROUP SYSTEM. Also called: MER2 BLOOD CELL ANTIGEN EXPRESSION. Identifiers: MedGen C1867341, OMIM 179620.
Epidermolysis bullosa simplex 7, with nephropathy and deafness. Also called: Nephrotic syndrome - deafness - pretibial epidermolysis bullosa syndrome; Nephropathy with Pretibial Epidermolysis Bullosa and Deafness. Identifiers: Orphanet 300333, MedGen C1836823, MONDO:0012190, OMIM 609057.

Allele frequency attached by ClinVar (database versions not stated): TOPMed 0.00009; gnomAD 0.00006; gnomAD exomes 0.00001; ExAC 0.00003; ESP Exome Variant Server 0.00008.
gnomAD v4.1: 17 of 1,612,696 alleles (0.0011%); highest among the groups gnomAD compares: African/African-American, 0.023%; no homozygotes.

Submissions (3):

Labcorp Genetics (formerly Invitae), Labcorp
Classification: Uncertain significance. Last evaluated: 2025-04-22. Review status: criteria provided, single submitter. Criteria: Invitae Variant Classification Sherloc (09022015). Collection method: clinical testing. Allele origin: germline.
Comment: This sequence change replaces aspartic acid, which is acidic and polar, with asparagine, which is neutral and polar, at codon 147 of the CD151 protein (p.Asp147Asn). This variant is present in population databases (rs372034658, gnomAD 0.03%). This variant has not been reported in the literature in individuals affected with CD151-related conditions. ClinVar contains an entry for this variant (Variation ID: 2244434). An algorithm developed to predict the effect of missense changes on protein structure and function (PolyPhen-2) suggests that this variant is likely to be disruptive. In summary, the available evidence is currently insufficient to determine the role of this variant in disease. Therefore, it has been classified as a Variant of Uncertain Significance.

Fulgent Genetics
Classification: Uncertain significance for RAPH BLOOD GROUP SYSTEM; Epidermolysis bullosa simplex 7, with nephropathy and deafness. Last evaluated: 2024-03-21. Review status: criteria provided, single submitter. Criteria: ACMG Guidelines, 2015. Collection method: clinical testing. Allele origin: germline.

Ambry Genetics
Classification: Uncertain significance for Inborn genetic diseases. Last evaluated: 2021-08-13. Review status: criteria provided, single submitter. Criteria: Ambry Variant Classification Scheme 2023. Collection method: clinical testing. Allele origin: germline.